The following is an entry in ClinVar:

ClinVar aggregate classification (germline): Pathogenic. Review status: criteria provided, multiple submitters, no conflicts (2 of 4 stars). 3 submissions from 3 submitters: Pathogenic (3). Last evaluated 2025-12-29.

Conditions:
Intellectual disability, autosomal recessive 42 (NEDDSBA). Also called: GLYCOSYLPHOSPHATIDYLINOSITOL BIOSYNTHESIS DEFECT 9; Neurodevelopmental disorder with dysmorphic features, spasticity, and brain abnormalities. Identifiers: Orphanet 88616, MedGen C4014343, MONDO:0014348, OMIM 615802.

Submissions (3):

GeneDx
Classification: Pathogenic. Last evaluated: 2025-12-29. Review status: criteria provided, single submitter. Criteria: GeneDx Variant Classification Process June 2021. Collection method: clinical testing. Allele origin: germline. Affected: yes.
Comment: Frameshift variant predicted to result in protein truncation or nonsense mediated decay in a gene for which loss-of-function is a known mechanism of disease; Not observed at significant frequency in large population cohorts (gnomAD); Has not been previously published as pathogenic or benign to our knowledge

Women's Health and Genetics/Laboratory Corporation of America, LabCorp
Classification: Pathogenic for Intellectual disability, autosomal recessive 42. Last evaluated: 2025-02-20. Review status: criteria provided, single submitter. Criteria: LabCorp Variant Classification Summary - May 2015. Collection method: clinical testing. Allele origin: germline.
Comment: Variant summary: PGAP1 c.1394_1397delTACA (p.Ile465SerfsX4) results in a premature termination codon, predicted to cause a truncation of the encoded protein or absence of the protein due to nonsense mediated decay, which are commonly known mechanisms for disease. The variant allele was found at a frequency of 8.2e-06 in 245128 control chromosomes. To our knowledge, no occurrence of c.1394_1397delTACA in individuals affected with Intellectual Disability, Autosomal Recessive 42 and no experimental evidence demonstrating its impact on protein function have been reported. ClinVar contains an entry for this variant (Variation ID: 474988). Based on the evidence outlined above, the variant was classified as pathogenic.

Labcorp Genetics (formerly Invitae), Labcorp
Classification: Pathogenic for Intellectual disability, autosomal recessive 42. Last evaluated: 2023-12-01. Review status: criteria provided, single submitter. Criteria: Invitae Variant Classification Sherloc (09022015). Collection method: clinical testing. Allele origin: germline.
Comment: This sequence change creates a premature translational stop signal (p.Ile465Serfs*4) in the PGAP1 gene. It is expected to result in an absent or disrupted protein product. Loss-of-function variants in PGAP1 are known to be pathogenic (PMID: 17711852, 26050939, 27848944). This variant is present in population databases (rs781325598, gnomAD 0.006%). This variant has not been reported in the literature in individuals affected with PGAP1-related conditions. ClinVar contains an entry for this variant (Variation ID: 474988). For these reasons, this variant has been classified as Pathogenic.

Literature cited by the submitters: PubMed 17711852 (cited by Labcorp Genetics (formerly Invitae), Labcorp); PubMed 26050939 (cited by Labcorp Genetics (formerly Invitae), Labcorp); PubMed 27848944 (cited by Labcorp Genetics (formerly Invitae), Labcorp).

NM_024989.4(PGAP1):c.1394_1397del (p.Ile465fs)

Gene: PGAP1 (post-GPI attachment to proteins inositol deacylase 1; minus strand). Cytogenetic location: 2q33.1.
Variant type: Microsatellite.
Coding change: c.1394_1397del on transcript NM_024989.4 (MANE Select); coding-DNA positions 1394 to 1397, 4 bases deleted (TACA; older notation c.1394_1397delTACA).
Protein change: p.Ile465fs; shifts the reading frame from isoleucine 465.
Molecular consequence: frameshift variant.
Genome position (GRCh38, 1-based): chr2:196,875,775-196,875,778, TGTA deleted on the plus strand (TACA on the coding strand, the reverse complement: PGAP1 is on the minus strand); deleting any 4 consecutive bases within chr2:196,875,775-196,875,783 gives the same sequence; the c. name uses the placement nearest the transcript's 3' end. VCF-style (leftmost placement, unchanged base first): chr2-196875774-CTGTA-C. GRCh37 (hg19) VCF-style: chr2-197740498-CTGTA-C.
Other names: c.1394_1397delTACA (NM_024989.3, NM_024989.4); c.872_875del, p.Ile291fs (NM_001321099.2); c.227_230del, p.Ile76fs (NM_001321100.2); short protein forms I76fs, I291fs, I465fs.
Identifiers: ClinVar variation 474988 (VCV000474988.9), dbSNP rs781325598, ClinGen allele CA2040929.